The following is an entry in ClinVar:

NC_000007.13:g.(117149197_117170952)_(117308720_?)del

Gene: CFTR (CF transmembrane conductance regulator; plus strand). Cytogenetic location: 7q31.2.
Variant type: Deletion.
Identifiers: ClinVar variation 3384997 (VCV003384997.1).

ClinVar aggregate classification (germline): Pathogenic (1 of 4 stars; one submission).

Conditions:
Cystic fibrosis (CF). Also called: MUCOVISCIDOSIS. Identifiers: Orphanet 586, MedGen C0010674, MONDO:0009061, OMIM 219700. Disease mechanism: loss of function.

Submission:

Women's Health and Genetics/Laboratory Corporation of America, LabCorp
Classification: Pathogenic for Cystic fibrosis. Last evaluated: 2024-10-02. Review status: criteria provided, single submitter. Criteria: LabCorp Variant Classification Summary - May 2015. Collection method: clinical testing. Allele origin: germline.
Comment: Variant summary: The variant involves the deletion of exons 4-27 in the CFTR gene. A presumed nomenclature of c.(273+1_274-1)_(*1558_?)del has been designated for the purposes of this classification. The exact breakpoint at the distal 3' end of this variant is unknown, therefore this deletion may extend downstream of the annotated region of the gene. As it encompasses the termination codon, it is predicted to escape nonsense mediated decay (NMD). Multiple variants within the deleted region have been classified as pathogenic by our laboratory and others in ClinVar, supporting the critical relevance of the deleted region to protein function.The variant was absent in 21694 control chromosomes. To our knowledge, no occurrence of c.(273+1_274-1)_(*1558_?)del in individuals affected with Cystic Fibrosis and no experimental evidence demonstrating its impact on protein function have been reported. No submitters have cited clinical-significance assessments for this variant to ClinVar. Based on the evidence outlined above, the variant was classified as pathogenic.